The following is an entry in ClinVar:

ClinVar aggregate classification (germline): Pathogenic (1 of 4 stars; one submission).

Conditions:
Tumor predisposition syndrome 3 (TPDS3). Also called: Glioma susceptibility 9; LONG TELOMERE SYNDROME, POT1-RELATED; POT1 Tumor Predisposition; Melanoma, cutaneous malignant, susceptibility to, 10. Identifiers: Orphanet 618, MedGen C4014476, MONDO:0014368, OMIM 615848.

Submission:

Labcorp Genetics (formerly Invitae), Labcorp
Classification: Pathogenic for Tumor predisposition syndrome 3. Last evaluated: 2021-08-18. Review status: criteria provided, single submitter. Criteria: Invitae Variant Classification Sherloc (09022015). Collection method: clinical testing. Allele origin: germline.
Comment: This sequence change creates a premature translational stop signal (p.Cys506*) in the POT1 gene. It is expected to result in an absent or disrupted protein product. Loss-of-function variants in POT1 are known to be pathogenic (PMID: 32155570). This variant is not present in population databases (ExAC no frequency). This variant has not been reported in the literature in individuals affected with POT1-related conditions. ClinVar contains an entry for this variant (Variation ID: 541868). For these reasons, this variant has been classified as Pathogenic.

Literature cited by the submitters: PubMed 32155570.

NM_015450.3(POT1):c.1518T>A (p.Cys506Ter)

Gene: POT1 (protection of telomeres 1; minus strand). Cytogenetic location: 7q31.33.
Variant type: single nucleotide variant.
Coding change: c.1518T>A on transcript NM_015450.3 (MANE Select); coding-DNA position 1518, T replaced by A.
Protein change: p.Cys506Ter; replaces cysteine 506 with a stop codon.
Molecular consequence: nonsense. On other transcripts: non-coding transcript variant (2).
Genome position (GRCh38, 1-based): chr7:124,829,330, A>T on the plus strand (T>A on the coding strand, the complement: POT1 is on the minus strand). VCF-style: chr7-124829330-A-T. GRCh37 (hg19) VCF-style: chr7-124469384-A-T.
Other names: c.1125T>A, p.Cys375Ter (NM_001042594.2); short protein forms C506*, C375*.
Identifiers: ClinVar variation 541868 (VCV000541868.7), dbSNP rs1554416461, ClinGen allele CA369064663.